The following is an entry in ClinVar:

ClinVar aggregate classification (germline): Uncertain significance. Review status: criteria provided, multiple submitters, no conflicts (2 of 4 stars). 2 submissions from 2 submitters: Uncertain significance (2). Last evaluated 2026-03-05.

Conditions:
TRIO-related disorder. Also called: TRIO-related disorders; TRIO-related condition.

Submissions (2):

PreventionGenetics, part of Exact Sciences
Classification: Uncertain significance for TRIO-related condition. Last evaluated: 2026-03-05. Review status: criteria provided, single submitter. Criteria: ACMG Guidelines, 2015. Collection method: clinical testing. Allele origin: germline.
Comment: The TRIO c.2243C>T variant is predicted to result in the amino acid substitution p.Thr748Ile. To our knowledge, this variant has not been reported in the literature or in a large population database (gnomAD), indicating this variant is rare. At this time, the clinical significance of this variant is uncertain due to the absence of conclusive functional and genetic evidence.

GeneDx
Classification: Uncertain significance. Last evaluated: 2025-08-07. Review status: criteria provided, single submitter. Criteria: GeneDx Variant Classification Process June 2021. Collection method: clinical testing. Allele origin: germline. Affected: yes.
Comment: Not observed at significant frequency in large population cohorts (gnomAD); In silico analysis supports that this missense variant has a deleterious effect on protein structure/function; Has not been previously published as pathogenic or benign to our knowledge

NM_007118.4(TRIO):c.2243C>T (p.Thr748Ile)

Gene: TRIO (trio Rho guanine nucleotide exchange factor; plus strand). Cytogenetic location: 5p15.2.
Variant type: single nucleotide variant.
Coding change: c.2243C>T on transcript NM_007118.4 (MANE Select); coding-DNA position 2243, C replaced by T.
Protein change: p.Thr748Ile; replaces threonine 748 with isoleucine.
Molecular consequence: missense variant. On other transcripts: non-coding transcript variant (1).
Genome position (GRCh38, 1-based): chr5:14,359,383, C>T. VCF-style: chr5-14359383-C-T. GRCh37 (hg19) VCF-style: chr5-14359492-C-T.
Other names: c.2243C>T (NM_007118.3); short protein forms T748I.
Identifiers: ClinVar variation 4795544 (VCV004795544.2).
Genomic context (GRCh38, chr5:14,359,383, plus strand): 5'-CATCCAATTCCTGTTCCTCTGTGTGCTCTCGCAGGGACTCTGCCATCTCCAGTAACAAGA[C>T]CCCCCACAACAGCTCCATCAACCACATTGAGACGGTGCTGCAGCAGCTGGACGAGGCGCA-3'
Protein context (NP_009049.2, residues 738-758): LRDSAISSNK[Thr748Ile]PHNSSINHIE